The following is an entry in ClinVar:

NM_001172509.2(SATB2):c.2089G>A (p.Glu697Lys)

Genes: SATB2 (SATB homeobox 2; minus strand), LOC126806462 (MED14-independent group 3 enhancer GRCh37_chr2:200136608-200137807; plus strand). Cytogenetic location: 2q33.1.
Variant type: single nucleotide variant.
Coding change: c.2089G>A on transcript NM_001172509.2 (MANE Select); coding-DNA position 2089, G replaced by A.
Protein change: p.Glu697Lys; replaces glutamic acid 697 with lysine.
Molecular consequence: missense variant.
Genome position (GRCh38, 1-based): chr2:199,272,324, C>T on the plus strand (G>A on the coding strand, the complement: SATB2 is on the minus strand). VCF-style: chr2-199272324-C-T. GRCh37 (hg19) VCF-style: chr2-200137047-C-T.
Other names: c.2089G>A, p.Glu697Lys (NM_001172517.1, NM_015265.4); short protein forms E697K.
Identifiers: ClinVar variation 2763011 (VCV002763011.3), dbSNP rs2468783001, ClinGen allele CA350385245.
Genomic context (GRCh38, chr2:199,272,324, plus strand): 5'-CCTCAGCCTCCACTTTGTACATCTCCTCGGAGCCTTCCTCGCTGTCGTTCTCCTCTGACT[C>T]GGTCAGCAGCTCCTCGTCCTTATATTCAGCCACGTCCACCGCGGAGCCCAGGTGCTCTTT-3'
Protein context (NP_001165980.1, residues 687-707): AEYKDEELLT[Glu697Lys]SEENDSEEGS

ClinVar aggregate classification (germline): Uncertain significance (1 of 4 stars; one submission).

Conditions:
Chromosome 2q32-q33 deletion syndrome (GLASS). Also called: Glass syndrome; 2q33.1 deletion syndrome. Identifiers: Orphanet 251019, MedGen C2676739, MONDO:0012864, OMIM 612313.

Submission:

Labcorp Genetics (formerly Invitae), Labcorp
Classification: Uncertain significance for Chromosome 2q32-q33 deletion syndrome. Last evaluated: 2023-09-23. Review status: criteria provided, single submitter. Criteria: Invitae Variant Classification Sherloc (09022015). Collection method: clinical testing. Allele origin: germline.
Comment: In summary, the available evidence is currently insufficient to determine the role of this variant in disease. Therefore, it has been classified as a Variant of Uncertain Significance. Advanced modeling of protein sequence and biophysical properties (such as structural, functional, and spatial information, amino acid conservation, physicochemical variation, residue mobility, and thermodynamic stability) performed at Invitae indicates that this missense variant is not expected to disrupt SATB2 protein function. This variant has not been reported in the literature in individuals affected with SATB2-related conditions. This variant is not present in population databases (gnomAD no frequency). This sequence change replaces glutamic acid, which is acidic and polar, with lysine, which is basic and polar, at codon 697 of the SATB2 protein (p.Glu697Lys).